The following is an entry in ClinVar:

NM_205850.3(SLC24A5):c.121+1G>A

Gene: SLC24A5 (solute carrier family 24 member 5; plus strand). Cytogenetic location: 15q21.1.
Variant type: single nucleotide variant.
Coding change: c.121+1G>A on transcript NM_205850.3 (MANE Select); the canonical splice donor site of the intron after coding-DNA position 121, G replaced by A.
Molecular consequence: splice donor variant.
Genome position (GRCh38, 1-based): chr15:48,121,166, G>A. VCF-style: chr15-48121166-G-A. GRCh37 (hg19) VCF-style: chr15-48413363-G-A.
Identifiers: ClinVar variation 2013425 (VCV002013425.4), dbSNP rs2504568018, ClinGen allele CA392446997.

ClinVar aggregate classification (germline): Likely pathogenic (1 of 4 stars; one submission).

Allele frequency attached by ClinVar (database versions not stated): gnomAD exomes below 0.00001.
gnomAD v4.1: 1 of 1,610,448 alleles (0.000062%); highest among the groups gnomAD compares: Non-Finnish European, 0.000085%; no homozygotes.

Submission:

Labcorp Genetics (formerly Invitae), Labcorp
Classification: Likely pathogenic. Last evaluated: 2022-07-03. Review status: criteria provided, single submitter. Criteria: Invitae Variant Classification Sherloc (09022015). Collection method: clinical testing. Allele origin: germline.
Comment: Algorithms developed to predict the effect of sequence changes on RNA splicing suggest that this variant may disrupt the consensus splice site. This variant has not been reported in the literature in individuals affected with SLC24A5-related conditions. This variant is not present in population databases (gnomAD no frequency). This sequence change affects a donor splice site in intron 1 of the SLC24A5 gene. It is expected to disrupt RNA splicing. Variants that disrupt the donor or acceptor splice site typically lead to a loss of protein function (PMID: 16199547), and loss-of-function variants in SLC24A5 are known to be pathogenic (PMID: 23985994, 26686029). In summary, the currently available evidence indicates that the variant is pathogenic, but additional data are needed to prove that conclusively. Therefore, this variant has been classified as Likely Pathogenic.

Literature cited by the submitters: PubMed 16199547; PubMed 23985994; PubMed 26686029.